The following is an entry in ClinVar:

ClinVar aggregate classification (germline): Conflicting classifications of pathogenicity. Review status: criteria provided, conflicting classifications (1 of 4 stars). 5 submissions from 5 submitters: Uncertain significance (1); Benign (1); Likely benign (1). 2 of the submissions do not count toward it. Last evaluated 2026-01-26.

Conditions:
ALDH3A2-related disorder. Also called: ALDH3A2-related condition.
Sjögren-Larsson syndrome (SLS). Also called: FALDH DEFICIENCY; FATTY ALCOHOL:NAD+ OXIDOREDUCTASE DEFICIENCY; FATTY ALDEHYDE DEHYDROGENASE DEFICIENCY; ICHTHYOSIS, SPASTIC NEUROLOGIC DISORDER, AND OLIGOPHRENIA. Identifiers: Orphanet 816, MedGen C0037231, MONDO:0010031, OMIM 270200.

Allele frequency attached by ClinVar (database versions not stated): gnomAD exomes 0.00022 and 0.00062; gnomAD 0.00023 and 0.00027; TOPMed 0.00045; ExAC 0.00054; 1000 Genomes Project 30x 0.00062; 1000 Genomes Project 0.00080.

Submissions (8):

Labcorp Genetics (formerly Invitae), Labcorp
Classification: Benign. Last evaluated: 2026-01-26. Review status: criteria provided, single submitter. Criteria: Invitae Variant Classification Sherloc (09022015). Collection method: clinical testing. Allele origin: germline.

Blueprint Genetics
Classification: Likely benign. Last evaluated: 2024-08-11. Review status: criteria provided, single submitter. Criteria: ACMG Guidelines, 2015. Collection method: clinical testing. Allele origin: germline.

Eurofins Ntd Llc (ga)
Classification: Uncertain significance. Last evaluated: 2015-04-13. Review status: criteria provided, single submitter. Criteria: EGL Classification Definitions 2015. Collection method: clinical testing. Allele origin: germline. Observed: 1 variant allele, 1 heterozygote.

Natera, Inc.
Classification: Likely benign for Sjögren-Larsson syndrome. Last evaluated: 2020-04-30. Review status: no assertion criteria provided. Collection method: clinical testing. Allele origin: germline. Not counted in ClinVar's aggregate classification.

PreventionGenetics, part of Exact Sciences
Classification: Likely benign for ALDH3A2-related condition. Last evaluated: 2020-02-25. Review status: no assertion criteria provided. Collection method: clinical testing. Allele origin: germline. Not counted in ClinVar's aggregate classification.
Comment: This variant is classified as likely benign based on ACMG/AMP sequence variant interpretation guidelines (Richards et al. 2015 PMID: 25741868, with internal and published modifications).

Dr. Peter K. Rogan Lab, Western University
No classification provided (evidence only). Condition: Familial cancer of breast. Review status: no classification provided. Collection method: in vitro. Allele origin: not applicable. Functional consequence: retained intron. Not counted in ClinVar's aggregate classification.

Dr. Peter K. Rogan Lab, Western University
No classification provided (evidence only). Condition: Gastric cancer. Review status: no classification provided. Collection method: in vitro. Allele origin: not applicable. Functional consequence: retained intron. Not counted in ClinVar's aggregate classification.

Dr. Peter K. Rogan Lab, Western University
No classification provided (evidence only). Condition: Gastric cancer. Review status: no classification provided. Collection method: in vitro. Allele origin: not applicable. Functional consequence: retained intron. Not counted in ClinVar's aggregate classification.

NM_000382.3(ALDH3A2):c.1108-3C>T

Gene: ALDH3A2 (aldehyde dehydrogenase 3 family member A2; plus strand). Cytogenetic location: 17p11.2.
Variant type: single nucleotide variant.
Coding change: c.1108-3C>T on transcript NM_000382.3 (MANE Select); 3 bases into the intron before coding-DNA position 1108, C replaced by T.
Molecular consequence: intron variant.
Genome position (GRCh38, 1-based): chr17:19,664,945, C>T. VCF-style: chr17-19664945-C-T. GRCh37 (hg19) VCF-style: chr17-19568258-C-T.
Other names: c.529-3C>T (NM_001369148.2); c.1108-3C>T (NM_001369137.2, NM_001369138.2, NM_001369146.2 and 3 more transcripts).
Identifiers: ClinVar variation 198723 (VCV000198723.19), dbSNP rs148944691, ClinGen allele CA247526.
Genomic context (GRCh38, chr17:19,664,945, plus strand): 5'-GGGGCCATGAGTGTTCCCTAAGGGGCAACTTCACTGACCTGGACACCTTTGGTCTGTCCT[C>T]AGCTCATCAAACGGATGATTGATGAGACATCCAGTGGAGGTGTCACAGGCAATGACGTCA-3'